The following is an entry in ClinVar:

ClinVar aggregate classification (germline): Uncertain significance (1 of 4 stars; one submission).

Submission:

Labcorp Genetics (formerly Invitae), Labcorp
Classification: Uncertain significance. Last evaluated: 2021-12-02. Review status: criteria provided, single submitter. Criteria: Invitae Variant Classification Sherloc (09022015). Collection method: clinical testing. Allele origin: germline.
Comment: This sequence change creates a premature translational stop signal (p.Gln222*) in the PLEKHG2 gene. It is expected to result in an absent or disrupted protein product. However, the current clinical and genetic evidence is not sufficient to establish whether loss-of-function variants in PLEKHG2 cause disease. This variant is not present in population databases (gnomAD no frequency). This variant has not been reported in the literature in individuals affected with PLEKHG2-related conditions. In summary, the available evidence is currently insufficient to determine the role of this variant in disease. Therefore, it has been classified as a Variant of Uncertain Significance.

NM_022835.3(PLEKHG2):c.664C>T (p.Gln222Ter)

Gene: PLEKHG2 (pleckstrin homology and RhoGEF domain containing G2; plus strand). Cytogenetic location: 19q13.2.
Variant type: single nucleotide variant.
Coding change: c.664C>T on transcript NM_022835.3 (MANE Select); coding-DNA position 664, C replaced by T.
Protein change: p.Gln222Ter; replaces glutamine 222 with a stop codon.
Molecular consequence: nonsense.
Genome position (GRCh38, 1-based): chr19:39,416,920, C>T. VCF-style: chr19-39416920-C-T. GRCh37 (hg19) VCF-style: chr19-39907560-C-T.
Other names: c.487C>T, p.Gln163Ter (NM_001351693.2); c.664C>T, p.Gln222Ter (NM_001351694.2); short protein forms Q163*, Q222*.
Identifiers: ClinVar variation 1381629 (VCV001381629.6), dbSNP rs2145986228, ClinGen allele CA405789864.